The following is an entry in ClinVar:

ClinVar aggregate classification (germline): Pathogenic. Review status: criteria provided, multiple submitters, no conflicts (2 of 4 stars). 3 submissions from 3 submitters: Pathogenic (2). 1 of the submissions does not count toward it. Last evaluated 2023-09-06.

Conditions:
X-linked agammaglobulinemia (XLA). Also called: Agammaglobulinemia, Bruton tyrosine kinase; Agammaglobulinemia, BTK; BTK-deficiency; IMMUNODEFICIENCY 1; Bruton's agammaglobulinemia; AGAMMAGLOBULINEMIA, X-LINKED, TYPE 1. Identifiers: Orphanet 229717, Orphanet 47, MedGen C0221026, MONDO:0010421, OMIM 300755.
X-linked agammaglobulinemia with growth hormone deficiency (IGHD3). Also called: ISOLATED GROWTH HORMONE DEFICIENCY, TYPE III, WITH AGAMMAGLOBULINEMIA; AGAMMAGLOBULINEMIA AND ISOLATED GROWTH HORMONE DEFICIENCY, X-LINKED; FLEISHER SYNDROME; HYPOGAMMAGLOBULINEMIA AND ISOLATED GROWTH HORMONE DEFICIENCY, X-LINKED; IGHD III; Isolated growth hormone deficiency type 3. Identifiers: Orphanet 231692, Orphanet 631, MedGen C0472813, MONDO:0010615, OMIM 307200.

Submissions (3):

Women's Health and Genetics/Laboratory Corporation of America, LabCorp
Classification: Pathogenic for X-linked agammaglobulinemia. Last evaluated: 2023-09-06. Review status: criteria provided, single submitter. Criteria: LabCorp Variant Classification Summary - May 2015. Collection method: clinical testing. Allele origin: germline.
Comment: Variant summary: BTK c.755G>A (p.Trp252X) results in a premature termination codon, predicted to cause a truncation of the encoded protein or absence of the protein due to nonsense mediated decay, which are commonly known mechanisms for disease. Variants downstream of this position have been classified as pathogenic by our laboratory. The variant was absent in 183226 control chromosomes (gnomAD). The variant, c.755G>A, has been reported in the literature in individuals affected with X-linked Agammaglobulinemia (examples: Conley_1998, Chen_2016). In addition, another variant, c.756G>A, resulting in the same nonsense mutation (p.Trp252X) has been reported in affected individuals (Holinski-Feder_1998, Kanegane_2001). The following publications have been ascertained in the context of this evaluation (PMID: 27512878, 9545398, 7849697, 9445504, 11742281). No submitters have cited clinical-significance assessments for this variant to ClinVar after 2014. Based on the evidence outlined above, the variant was classified as pathogenic.

Labcorp Genetics (formerly Invitae), Labcorp
Classification: Pathogenic for X-linked agammaglobulinemia with growth hormone deficiency. Last evaluated: 2023-07-18. Review status: criteria provided, single submitter. Criteria: Invitae Variant Classification Sherloc (09022015). Collection method: clinical testing. Allele origin: germline.
Comment: For these reasons, this variant has been classified as Pathogenic. ClinVar contains an entry for this variant (Variation ID: 11362). This premature translational stop signal has been observed in individual(s) with clinical features of BTK-related conditions (PMID: 7849697, 9445504). This variant is not present in population databases (gnomAD no frequency). This sequence change creates a premature translational stop signal (p.Trp252*) in the BTK gene. It is expected to result in an absent or disrupted protein product. Loss-of-function variants in BTK are known to be pathogenic (PMID: 15661032, 16862044, 19419768).

OMIM
Classification: Pathogenic for AGAMMAGLOBULINEMIA, X-LINKED. Last evaluated: 1994-10-01. Review status: no assertion criteria provided. Collection method: literature only. Allele origin: germline. Not counted in ClinVar's aggregate classification.

Literature cited by the submitters: PubMed 7849697 (cited by 3 submitters); PubMed 9545398 (cited by Women's Health and Genetics/Laboratory Corporation of America, LabCorp); PubMed 9445504 (cited by Women's Health and Genetics/Laboratory Corporation of America, LabCorp and Labcorp Genetics (formerly Invitae), Labcorp); PubMed 11742281 (cited by Women's Health and Genetics/Laboratory Corporation of America, LabCorp); PubMed 27512878 (cited by Women's Health and Genetics/Laboratory Corporation of America, LabCorp); PubMed 15661032 (cited by Labcorp Genetics (formerly Invitae), Labcorp); PubMed 16862044 (cited by Labcorp Genetics (formerly Invitae), Labcorp); PubMed 19419768 (cited by Labcorp Genetics (formerly Invitae), Labcorp).

NM_000061.3(BTK):c.755G>A (p.Trp252Ter)

Gene: BTK (Bruton tyrosine kinase; minus strand). Cytogenetic location: Xq22.1.
Variant type: single nucleotide variant.
Coding change: c.755G>A on transcript NM_000061.3 (MANE Select); coding-DNA position 755, G replaced by A.
Protein change: p.Trp252Ter; replaces tryptophan 252 with a stop codon.
Molecular consequence: nonsense.
Genome position (GRCh38, 1-based): chrX:101,360,589, C>T on the plus strand (G>A on the coding strand, the complement: BTK is on the minus strand). VCF-style: chrX-101360589-C-T. GRCh37 (hg19) VCF-style: chrX-100615577-C-T.
Other names: c.857G>A, p.Trp286Ter (NM_001287344.2); c.755G>A, p.Trp252Ter (NM_001287345.2); short protein forms W252*, W286*.
Identifiers: ClinVar variation 11362 (VCV000011362.7), dbSNP rs128621192, ClinGen allele CA255806.